The following is an entry in ClinVar:

NM_030632.3(ASXL3):c.3007C>T (p.Pro1003Ser)

Gene: ASXL3 (ASXL transcriptional regulator 3; plus strand). Cytogenetic location: 18q12.1.
Variant type: single nucleotide variant.
Coding change: c.3007C>T on transcript NM_030632.3 (MANE Select); coding-DNA position 3007, C replaced by T.
Protein change: p.Pro1003Ser; replaces proline 1003 with serine.
Molecular consequence: missense variant.
Genome position (GRCh38, 1-based): chr18:33,740,411, C>T. VCF-style: chr18-33740411-C-T. GRCh37 (hg19) VCF-style: chr18-31320375-C-T.
Other names: short protein forms P1003S.
Identifiers: ClinVar variation 3369115 (VCV003369115.1).
Genomic context (GRCh38, chr18:33,740,411, plus strand): 5'-GAAGATGATCAGTCAACCCGGAACATATCATCTAGCAGCCCACCTGAGAAAGAACAGCCT[C>T]CCAGAGAGGAACCAAGGGTTCCCCCTCTCAAGGTATGGTATTAAATAAACAAAAGGCAAT-3'
Protein context (NP_085135.1, residues 993-1013): SSSPPEKEQP[Pro1003Ser]REEPRVPPLK

ClinVar aggregate classification (germline): Uncertain significance (1 of 4 stars; one submission).

gnomAD v4.1: 1 of 1,592,102 alleles (0.000063%); highest among the groups gnomAD compares: Non-Finnish European, 0.000085%; no homozygotes.

Submission:

GeneDx
Classification: Uncertain significance. Last evaluated: 2024-02-11. Review status: criteria provided, single submitter. Criteria: GeneDx Variant Classification Process June 2021. Collection method: clinical testing. Allele origin: germline. Affected: yes.
Comment: Not observed at significant frequency in large population cohorts (gnomAD); In silico analysis supports that this missense variant does not alter protein structure/function; Has not been previously published as pathogenic or benign to our knowledge